The following is an entry in ClinVar:

NM_003738.5(PTCH2):c.1947G>C (p.Glu649Asp)

Gene: PTCH2 (patched 2; minus strand). Cytogenetic location: 1p34.1.
Variant type: single nucleotide variant.
Coding change: c.1947G>C on transcript NM_003738.5 (MANE Select); coding-DNA position 1947, G replaced by C.
Protein change: p.Glu649Asp; replaces glutamic acid 649 with aspartic acid.
Molecular consequence: missense variant.
Genome position (GRCh38, 1-based): chr1:44,827,954, C>G on the plus strand (G>C on the coding strand, the complement: PTCH2 is on the minus strand). VCF-style: chr1-44827954-C-G. GRCh37 (hg19) VCF-style: chr1-45293626-C-G.
Other names: c.1947G>C, p.Glu649Asp (NM_001166292.2); short protein forms E649D.
Identifiers: ClinVar variation 3615813 (VCV003615813.2).

ClinVar aggregate classification (germline): Uncertain significance (1 of 4 stars; one submission).

Conditions:
Gorlin syndrome. Also called: Basal cell nevus syndrome; Nevoid Basal Cell Carcinoma Syndrome. Identifiers: Orphanet 377, MedGen C0004779, MONDO:0007187.

Submission:

Labcorp Genetics (formerly Invitae), Labcorp
Classification: Uncertain significance for Gorlin syndrome. Last evaluated: 2024-08-01. Review status: criteria provided, single submitter. Criteria: Invitae Variant Classification Sherloc (09022015). Collection method: clinical testing. Allele origin: germline.
Comment: This sequence change replaces glutamic acid, which is acidic and polar, with aspartic acid, which is acidic and polar, at codon 649 of the PTCH2 protein (p.Glu649Asp). This variant is not present in population databases (gnomAD no frequency). This variant has not been reported in the literature in individuals affected with PTCH2-related conditions. Advanced modeling of protein sequence and biophysical properties (such as structural, functional, and spatial information, amino acid conservation, physicochemical variation, residue mobility, and thermodynamic stability) performed at Invitae indicates that this missense variant is not expected to disrupt PTCH2 protein function with a negative predictive value of 80%. In summary, the available evidence is currently insufficient to determine the role of this variant in disease. Therefore, it has been classified as a Variant of Uncertain Significance.